The following is an entry in ClinVar:

ClinVar aggregate classification (germline): Uncertain significance (1 of 4 stars; one submission).

Allele frequency attached by ClinVar (database versions not stated): gnomAD exomes below 0.00001; TOPMed below 0.00001.
gnomAD v4.1: 3 of 1,588,482 alleles (0.00019%); highest among the groups gnomAD compares: South Asian, 0.0035%; no homozygotes.

Submission:

Labcorp Genetics (formerly Invitae), Labcorp
Classification: Uncertain significance. Last evaluated: 2023-12-25. Review status: criteria provided, single submitter. Criteria: Invitae Variant Classification Sherloc (09022015). Collection method: clinical testing. Allele origin: germline.
Comment: This sequence change replaces threonine, which is neutral and polar, with alanine, which is neutral and non-polar, at codon 1144 of the SLC12A2 protein (p.Thr1144Ala). This variant is present in population databases (no rsID available, gnomAD 0.008%). This variant has not been reported in the literature in individuals affected with SLC12A2-related conditions. Advanced modeling of protein sequence and biophysical properties (such as structural, functional, and spatial information, amino acid conservation, physicochemical variation, residue mobility, and thermodynamic stability) performed at Invitae indicates that this missense variant is not expected to disrupt SLC12A2 protein function with a negative predictive value of 80%. In summary, the available evidence is currently insufficient to determine the role of this variant in disease. Therefore, it has been classified as a Variant of Uncertain Significance.

NM_001046.3(SLC12A2):c.3430A>G (p.Thr1144Ala)

Gene: SLC12A2 (solute carrier family 12 member 2; plus strand). Cytogenetic location: 5q23.3.
Variant type: single nucleotide variant.
Coding change: c.3430A>G on transcript NM_001046.3 (MANE Select); coding-DNA position 3430, A replaced by G.
Protein change: p.Thr1144Ala; replaces threonine 1144 with alanine.
Molecular consequence: missense variant. On other transcripts: non-coding transcript variant (1).
Genome position (GRCh38, 1-based): chr5:128,184,496, A>G. VCF-style: chr5-128184496-A-G. GRCh37 (hg19) VCF-style: chr5-127520188-A-G.
Other names: c.3382A>G, p.Thr1128Ala (NM_001256461.2); short protein forms T1128A, T1144A.
Identifiers: ClinVar variation 2705426 (VCV002705426.3), dbSNP rs1160597049, ClinGen allele CA360741616.